The following is an entry in ClinVar:

ClinVar aggregate classification (germline): Uncertain significance (1 of 4 stars; one submission).

Conditions:
Hereditary cancer-predisposing syndrome. Also called: Hereditary Cancer Syndrome; Tumor predisposition; Hereditary neoplastic syndrome; Neoplastic Syndromes, Hereditary. Identifiers: Orphanet 140162, MedGen C0027672, MeSH D009386, MONDO:0015356.

Submission:

Ambry Genetics
Classification: Uncertain significance for Hereditary cancer-predisposing syndrome. Last evaluated: 2024-10-29. Review status: criteria provided, single submitter. Criteria: Ambry Variant Classification Scheme 2023. Collection method: clinical testing. Allele origin: germline.
Comment: The c.3852G>A variant (also known as p.V1284V) is located in coding exon 18 of the MET gene. This variant results from a G to A substitution at nucleotide position 3852. This nucleotide substitution does not change the amino acid at codon 1284. However, this change occurs in the last base pair of coding exon 18, which makes it likely to have some effect on normal mRNA splicing. This nucleotide position is highly conserved in available vertebrate species. In silico splice site analysis predicts that this alteration will weaken the native splice donor site. Loss of function of MET has not been established as a mechanism of disease. Based on the available evidence, the clinical significance of this alteration remains unclear.

NM_000245.4(MET):c.3798G>A (p.Val1266=)

Gene: MET (MET proto-oncogene, receptor tyrosine kinase; plus strand). Cytogenetic location: 7q31.2.
Variant type: single nucleotide variant.
Coding change: c.3798G>A on transcript NM_000245.4 (MANE Select); coding-DNA position 3798, G replaced by A.
Protein change: p.Val1266=; no amino-acid change (valine 1266 retained).
Molecular consequence: synonymous variant.
Genome position (GRCh38, 1-based): chr7:116,783,469, G>A. VCF-style: chr7-116783469-G-A. GRCh37 (hg19) VCF-style: chr7-116423523-G-A.
Other names: c.3852G>A, p.Val1284= (NM_001127500.3); c.2508G>A, p.Val836= (NM_001324402.2).
Identifiers: ClinVar variation 3395175 (VCV003395175.1).